The following is an entry in ClinVar:

ClinVar aggregate classification (germline): Uncertain significance. Review status: criteria provided, multiple submitters, no conflicts (2 of 4 stars). 2 submissions from 2 submitters: Uncertain significance (2). Last evaluated 2021-07-10.

Conditions:
Fumarase deficiency (FMRD). Also called: Fumaric aciduria; Fumarate Hydratase Deficiency. Identifiers: Orphanet 24, MedGen C0342770, MONDO:0011730, OMIM 606812.

Allele frequency attached by ClinVar (database versions not stated): gnomAD exomes below 0.00001.
gnomAD v4.1: 1 of 1,614,192 alleles (0.000062%); highest among the groups gnomAD compares: Admixed American, 0.0017%; no homozygotes.

Submissions (2):

Quest Diagnostics Nichols Institute San Juan Capistrano
Classification: Uncertain significance. Last evaluated: 2021-07-10. Review status: criteria provided, single submitter. Criteria: Quest Diagnostics criteria. Collection method: clinical testing. Allele origin: unknown.

Labcorp Genetics (formerly Invitae), Labcorp
Classification: Uncertain significance for Fumarase deficiency. Last evaluated: 2019-07-28. Review status: criteria provided, single submitter. Criteria: Invitae Variant Classification Sherloc (09022015). Collection method: clinical testing. Allele origin: germline.
Comment: This sequence change replaces lysine with asparagine at codon 80 of the FH protein (p.Lys80Asn). The lysine residue is highly conserved and there is a moderate physicochemical difference between lysine and asparagine. This variant is not present in population databases (ExAC no frequency). This variant has not been reported in the literature in individuals with FH-related conditions. Algorithms developed to predict the effect of missense changes on protein structure and function are either unavailable or do not agree on the potential impact of this missense change (SIFT: "Deleterious"; PolyPhen-2: "Benign"; Align-GVGD: "Class C0"). In summary, the available evidence is currently insufficient to determine the role of this variant in disease. Therefore, it has been classified as a Variant of Uncertain Significance.

NM_000143.4(FH):c.240G>C (p.Lys80Asn)

Gene: FH (fumarate hydratase; minus strand). Cytogenetic location: 1q43.
Variant type: single nucleotide variant.
Coding change: c.240G>C on transcript NM_000143.4 (MANE Select); coding-DNA position 240, G replaced by C.
Protein change: p.Lys80Asn; replaces lysine 80 with asparagine.
Molecular consequence: missense variant.
Genome position (GRCh38, 1-based): chr1:241,517,209, C>G on the plus strand (G>C on the coding strand, the complement: FH is on the minus strand). VCF-style: chr1-241517209-C-G. GRCh37 (hg19) VCF-style: chr1-241680509-C-G.
Other names: short protein forms K80N.
Identifiers: ClinVar variation 959938 (VCV000959938.2), dbSNP rs1573888362, ClinGen allele CA345441707.
Genomic context (GRCh38, chr1:241,517,209, plus strand): 5'-AAAATAGCCAACATTTCCACAAATGCCACTTACTGGCATGCGTTCTGTCACACCTCCAAT[C>G]TTAAAGTTCATCGTAGATCTCACGGTCTGGGCGCCATAATACTTATCATTTGGCACCTTT-3'
Protein context (NP_000134.2, residues 70-90): AQTVRSTMNF[Lys80Asn]IGGVTERMPT